The following is an entry in ClinVar:

ClinVar aggregate classification (germline): Benign (1 of 4 stars; one submission).

Conditions:
Xeroderma pigmentosum variant type. Also called: PHOTOSENSITIVITY WITH DEFECTIVE DNA SYNTHESIS; XERODERMA PIGMENTOSUM WITH NORMAL DNA REPAIR RATES; POLH-Related Xeroderma Pigmentosum. Identifiers: Orphanet 90342, MedGen C1848410, MONDO:0010214, OMIM 278750.

Allele frequency attached by ClinVar (database versions not stated): 1000 Genomes Project 0.00958; TOPMed 0.01732.

Submission:

Illumina Laboratory Services, Illumina
Classification: Benign for Xeroderma pigmentosum variant type. Last evaluated: 2018-01-13. Review status: criteria provided, single submitter. Criteria: ICSL Variant Classification Criteria 13 December 2019. Collection method: clinical testing. Allele origin: germline.
Comment: This variant was observed in the ICSL laboratory as part of a predisposition screen in an ostensibly healthy population. It had not been previously curated by ICSL or reported in the Human Gene Mutation Database (HGMD: prior to June 1st, 2018), and was therefore a candidate for classification through an automated scoring system. Utilizing variant allele frequency, disease prevalence and penetrance estimates, and inheritance mode, an automated score was calculated to assess if this variant is too frequent to cause the disease. Based on the score and internal cut-off values, a variant classified as benign is not then subjected to further curation. The score for this variant resulted in a classification of benign for this disease.

NM_006502.3(POLH):c.*5934G>A

Gene: POLH (DNA polymerase eta; plus strand). Cytogenetic location: 6p21.1.
Variant type: single nucleotide variant.
Coding change: c.*5934G>A on transcript NM_006502.3 (MANE Select); 5934 bases downstream of the stop codon, G replaced by A.
Molecular consequence: 3 prime UTR variant.
Genome position (GRCh38, 1-based): chr6:43,620,491, G>A. VCF-style: chr6-43620491-G-A. GRCh37 (hg19) VCF-style: chr6-43588228-G-A.
Other names: c.*5934G>A (NM_001291969.2); c.*6760G>A (NM_001291970.2).
Identifiers: ClinVar variation 910836 (VCV000910836.6), dbSNP rs534751786, ClinGen allele CA138310078.
Genomic context (GRCh38, chr6:43,620,491, plus strand): 5'-CCTGAAGAGGTATCTAGCCCTGGAAGGAAGCTGAGCCTGTAGCTAACGCATAAGCACAGT[G>A]TATTCAATAAAACATTTTTATTCTGTACAATATATATGTGTATTTAAATATATATACATA-3'